The following is an entry in ClinVar:

NM_138773.4(SLC25A46):c.407A>G (p.Tyr136Cys)

Gene: SLC25A46 (solute carrier family 25 member 46; plus strand). Cytogenetic location: 5q22.1.
Variant type: single nucleotide variant.
Coding change: c.407A>G on transcript NM_138773.4 (MANE Select); coding-DNA position 407, A replaced by G.
Protein change: p.Tyr136Cys; replaces tyrosine 136 with cysteine.
Molecular consequence: missense variant. On other transcripts: non-coding transcript variant (1).
Genome position (GRCh38, 1-based): chr5:110,746,291, A>G. VCF-style: chr5-110746291-A-G. GRCh37 (hg19) VCF-style: chr5-110081992-A-G.
Other names: c.407A>G, p.Tyr136Cys (NM_001303249.3); c.134A>G, p.Tyr45Cys (NM_001303250.3); short protein forms Y136C, Y45C.
Identifiers: ClinVar variation 1043320 (VCV001043320.9), dbSNP rs1799816715, ClinGen allele CA360694394.
Genomic context (GRCh38, chr5:110,746,291, plus strand): 5'-CATTAACAGAAAAAAATAATGAAATATCTTTTTTACAGGTTAATTACCATGCTCAGCATT[A>G]CCATCTCACTCCATTTACAGTCATCAATATTATGTACAGTTTCAACAAAACTCAGGTGAG-3'
Protein context (NP_620128.1, residues 126-146): QCQVNYHAQH[Tyr136Cys]HLTPFTVINI

ClinVar aggregate classification (germline): Uncertain significance (1 of 4 stars; one submission).

Conditions:
Neuropathy, hereditary motor and sensory, type 6B (HMSN6B). Also called: Neuropathy, hereditary motor and sensory, type VIB; HMSN VIB; CHARCOT-MARIE-TOOTH DISEASE, TYPE 6B; NEUROPATHY, HEREDITARY MOTOR AND SENSORY, TYPE VIB, WITH OPTIC ATROPHY. Identifiers: MedGen C4225302, MONDO:0014671, OMIM 616505.

Submission:

Labcorp Genetics (formerly Invitae), Labcorp
Classification: Uncertain significance for Neuropathy, hereditary motor and sensory, type 6B. Last evaluated: 2023-08-30. Review status: criteria provided, single submitter. Criteria: Invitae Variant Classification Sherloc (09022015). Collection method: clinical testing. Allele origin: germline.
Comment: This sequence change replaces tyrosine, which is neutral and polar, with cysteine, which is neutral and slightly polar, at codon 136 of the SLC25A46 protein (p.Tyr136Cys). This variant is not present in population databases (gnomAD no frequency). This variant has not been reported in the literature in individuals affected with SLC25A46-related conditions. ClinVar contains an entry for this variant (Variation ID: 1043320). An algorithm developed to predict the effect of missense changes on protein structure and function (PolyPhen-2) suggests that this variant is likely to be disruptive. In summary, the available evidence is currently insufficient to determine the role of this variant in disease. Therefore, it has been classified as a Variant of Uncertain Significance.